The following is an entry in ClinVar:

NM_001164665.2(KIAA1549):c.4380C>T (p.His1460=)

Gene: KIAA1549 (KIAA1549; minus strand). Cytogenetic location: 7q34.
Variant type: single nucleotide variant.
Coding change: c.4380C>T on transcript NM_001164665.2 (MANE Select); coding-DNA position 4380, C replaced by T.
Protein change: p.His1460=; no amino-acid change (histidine 1460 retained).
Molecular consequence: synonymous variant.
Genome position (GRCh38, 1-based): chr7:138,871,328, G>A on the plus strand (C>T on the coding strand, the complement: KIAA1549 is on the minus strand). VCF-style: chr7-138871328-G-A. GRCh37 (hg19) VCF-style: chr7-138556074-G-A.
Other names: c.4380C>T (NM_001164665.1); c.4380C>T, p.His1460= (NM_020910.3).
Identifiers: ClinVar variation 1149731 (VCV001149731.12), dbSNP rs138395431, ClinGen allele CA4505916.

ClinVar aggregate classification (germline): Likely benign. Review status: criteria provided, multiple submitters, no conflicts (2 of 4 stars). 4 submissions from 4 submitters: Likely benign (3). 1 of the submissions does not count toward it. Last evaluated 2025-12-22.

Conditions:
KIAA1549-related disorder. Also called: KIAA1549-related condition.

Allele frequency attached by ClinVar (database versions not stated): 1000 Genomes Project 30x 0.00031.
gnomAD v4.1: 306 of 1,579,864 alleles (0.019%); highest among the groups gnomAD compares: Admixed American, 0.12%; 1 homozygote.

Submissions (4):

Labcorp Genetics (formerly Invitae), Labcorp
Classification: Likely benign. Last evaluated: 2025-12-22. Review status: criteria provided, single submitter. Criteria: Invitae Variant Classification Sherloc (09022015). Collection method: clinical testing. Allele origin: germline.

Blueprint Genetics
Classification: Likely benign. Last evaluated: 2023-08-17. Review status: criteria provided, single submitter. Criteria: ACMG Guidelines, 2015. Collection method: clinical testing. Allele origin: germline.

Breakthrough Genomics
Classification: Likely benign. Review status: criteria provided, single submitter. Criteria: ACMG Guidelines, 2015. Collection method: not provided. Allele origin: germline. Inheritance: Autosomal recessive inheritance. Affected: yes.

PreventionGenetics, part of Exact Sciences
Classification: Likely benign for KIAA1549-related condition. Last evaluated: 2019-09-30. Review status: no assertion criteria provided. Collection method: clinical testing. Allele origin: germline. Not counted in ClinVar's aggregate classification.
Comment: This variant is classified as likely benign based on ACMG/AMP sequence variant interpretation guidelines (Richards et al. 2015 PMID: 25741868, with internal and published modifications).